The following is an entry in ClinVar:

ClinVar aggregate classification (germline): Likely pathogenic (1 of 4 stars; one submission).

Conditions:
Fanconi anemia complementation group A (FANCA). Also called: Fanconi anemia, group A; FANCA-Related Fanconi Anemia. Identifiers: Orphanet 84, MedGen C3469521, MONDO:0009215, OMIM 227650.

Submission:

Myriad Genetics, Inc.
Classification: Likely pathogenic for Fanconi anemia complementation group A. Last evaluated: 2019-12-27. Review status: criteria provided, single submitter. Criteria: Myriad Women's Health Autosomal Recessive and X-Linked Classification Criteria (2019). Collection method: clinical testing. Allele origin: unknown.
Comment: NM_000135.2(FANCA):c.1951G>T(G651*) is expected to be pathogenic in the context of Fanconi anemia complementation group A. This variant is predicted to lead to an abnormal or absent protein product due to the creation of a premature termination codon in FANCA, a gene where loss-of-function variants are known to be pathogenic. Please note: this variant was assessed in the context of healthy population screening.

NM_000135.4(FANCA):c.1951G>T (p.Gly651Ter)

Gene: FANCA (FA complementation group A; minus strand). Cytogenetic location: 16q24.3.
Variant type: single nucleotide variant.
Coding change: c.1951G>T on transcript NM_000135.4 (MANE Select); coding-DNA position 1951, G replaced by T.
Protein change: p.Gly651Ter; replaces glycine 651 with a stop codon.
Molecular consequence: nonsense.
Genome position (GRCh38, 1-based): chr16:89,773,334, C>A on the plus strand (G>T on the coding strand, the complement: FANCA is on the minus strand). VCF-style: chr16-89773334-C-A. GRCh37 (hg19) VCF-style: chr16-89839742-C-A.
Other names: c.1951G>T, p.Gly651Ter (NM_001286167.3); short protein forms G651*.
Identifiers: ClinVar variation 983792 (VCV000983792.3), dbSNP rs140785340, ClinGen allele CA397450056.